The following is an entry in ClinVar:

ClinVar aggregate classification (germline): Uncertain significance (1 of 4 stars; one submission).

Conditions:
Bloom syndrome (BLM). Also called: Bloom-Torre-Machacek syndrome. Identifiers: Orphanet 125, MedGen C0005859, MONDO:0008876, OMIM 210900.

Submission:

Labcorp Genetics (formerly Invitae), Labcorp
Classification: Uncertain significance for Bloom syndrome. Last evaluated: 2020-07-23. Review status: criteria provided, single submitter. Criteria: Invitae Variant Classification Sherloc (09022015). Collection method: clinical testing. Allele origin: germline.
Comment: In summary, the available evidence is currently insufficient to determine the role of this variant in disease. Therefore, it has been classified as a Variant of Uncertain Significance. Algorithms developed to predict the effect of missense changes on protein structure and function are either unavailable or do not agree on the potential impact of this missense change (SIFT: "Tolerated"; PolyPhen-2: "Possibly Damaging"; Align-GVGD: "Class C0"). This variant has not been reported in the literature in individuals with BLM-related conditions. This variant is not present in population databases (ExAC no frequency). This sequence change replaces serine with phenylalanine at codon 1322 of the BLM protein (p.Ser1322Phe). The serine residue is weakly conserved and there is a large physicochemical difference between serine and phenylalanine.

NM_000057.4(BLM):c.3965C>T (p.Ser1322Phe)

Gene: BLM (BLM RecQ like helicase; plus strand). Cytogenetic location: 15q26.1.
Variant type: single nucleotide variant.
Coding change: c.3965C>T on transcript NM_000057.4 (MANE Select); coding-DNA position 3965, C replaced by T.
Protein change: p.Ser1322Phe; replaces serine 1322 with phenylalanine.
Molecular consequence: missense variant.
Genome position (GRCh38, 1-based): chr15:90,811,295, C>T. VCF-style: chr15-90811295-C-T. GRCh37 (hg19) VCF-style: chr15-91354525-C-T.
Other names: c.3965C>T, p.Ser1322Phe (NM_001287246.2); c.3572C>T, p.Ser1191Phe (NM_001287247.2); c.2840C>T, p.Ser947Phe (NM_001287248.2); short protein forms S1191F, S1322F, S947F.
Identifiers: ClinVar variation 1008402 (VCV001008402.9), dbSNP rs1362006078, ClinGen allele CA393850928.